The following is an entry in ClinVar:

NM_152383.5(DIS3L2):c.1484A>T (p.Glu495Val)

Gene: DIS3L2 (DIS3 like 3'-5' exoribonuclease 2; plus strand). Cytogenetic location: 2q37.1.
Variant type: single nucleotide variant.
Coding change: c.1484A>T on transcript NM_152383.5 (MANE Select); coding-DNA position 1484, A replaced by T.
Protein change: p.Glu495Val; replaces glutamic acid 495 with valine.
Molecular consequence: missense variant. On other transcripts: non-coding transcript variant (2).
Genome position (GRCh38, 1-based): chr2:232,263,265, A>T. VCF-style: chr2-232263265-A-T. GRCh37 (hg19) VCF-style: chr2-233127975-A-T.
Other names: c.1484A>T, p.Glu495Val (NM_001257281.2); short protein forms E495V.
Identifiers: ClinVar variation 2758718 (VCV002758718.3), dbSNP rs1475928845, ClinGen allele CA350975312.

ClinVar aggregate classification (germline): Uncertain significance (1 of 4 stars; one submission).

Conditions:
Perlman syndrome (PRLMNS). Identifiers: Orphanet 2849, MedGen C0796113, MONDO:0009965, OMIM 267000.

Submission:

Labcorp Genetics (formerly Invitae), Labcorp
Classification: Uncertain significance for Perlman syndrome. Last evaluated: 2023-09-08. Review status: criteria provided, single submitter. Criteria: Invitae Variant Classification Sherloc (09022015). Collection method: clinical testing. Allele origin: germline.
Comment: This sequence change replaces glutamic acid, which is acidic and polar, with valine, which is neutral and non-polar, at codon 495 of the DIS3L2 protein (p.Glu495Val). This variant is not present in population databases (gnomAD no frequency). This variant has not been reported in the literature in individuals affected with DIS3L2-related conditions. Advanced modeling of protein sequence and biophysical properties (such as structural, functional, and spatial information, amino acid conservation, physicochemical variation, residue mobility, and thermodynamic stability) performed at Invitae indicates that this missense variant is not expected to disrupt DIS3L2 protein function. In summary, the available evidence is currently insufficient to determine the role of this variant in disease. Therefore, it has been classified as a Variant of Uncertain Significance.